The following is an entry in ClinVar:

NM_004064.5(CDKN1B):c.420_423dup (p.Thr142fs)

Gene: CDKN1B (cyclin dependent kinase inhibitor 1B; plus strand). Cytogenetic location: 12p13.1.
Variant type: Duplication.
Coding change: c.420_423dup on transcript NM_004064.5 (MANE Select); coding-DNA positions 420 to 423, 4 bases duplicated (CCAG; older notation c.420_423dupCCAG).
Protein change: p.Thr142fs; shifts the reading frame from threonine 142.
Molecular consequence: frameshift variant.
Genome position (GRCh38, 1-based): chr12:12,718,259-12,718,262, CCAG duplicated; duplicating any 4 consecutive bases within chr12:12,718,256-12,718,262 gives the same sequence; the c. name uses the placement nearest the transcript's 3' end. VCF-style (leftmost placement, unchanged base first): chr12-12718255-A-ACAGC. GRCh37 (hg19) VCF-style: chr12-12871189-A-ACAGC.
Other names: short protein forms T142fs.
Identifiers: ClinVar variation 3265559 (VCV003265559.1).

ClinVar aggregate classification (germline): Uncertain significance (1 of 4 stars; one submission).

Conditions:
Hereditary cancer-predisposing syndrome. Also called: Hereditary Cancer Syndrome; Tumor predisposition; Hereditary neoplastic syndrome; Neoplastic Syndromes, Hereditary. Identifiers: Orphanet 140162, MedGen C0027672, MeSH D009386, MONDO:0015356.

Submission:

Ambry Genetics
Classification: Uncertain significance for Hereditary cancer-predisposing syndrome. Last evaluated: 2024-06-10. Review status: criteria provided, single submitter. Criteria: Ambry Variant Classification Scheme 2023. Collection method: clinical testing. Allele origin: germline.
Comment: The c.420_423dupCCAG variant, located in coding exon 1 of the CDKN1B gene, results from a duplication of CCAG at nucleotide position 420, causing a translational frameshift with a predicted alternate stop codon (p.T142Pfs*64). This alteration occurs at the 3' terminus of theCDKN1B gene, is not expected to trigger nonsense-mediated mRNAdecay and results in the elongation of the protein by six amino acids. This frameshift impacts the last 28% of the native protein. The exact functional effect of the altered amino acids is unknown. Based on the available evidence, the clinical significance of this variant remains unclear.